The following is an entry in ClinVar:

ClinVar aggregate classification (germline): Uncertain significance. Review status: criteria provided, single submitter (1 of 4 stars). 2 submissions from 2 submitters: Uncertain significance (1). 1 of the submissions does not count toward it. Last evaluated 2022-07-19.

Conditions:
Prostate cancer, hereditary, 1 (HPC1). Identifiers: Orphanet 1331, MedGen C4722327, MONDO:0011098, OMIM 601518.

Submissions (2):

Labcorp Genetics (formerly Invitae), Labcorp
Classification: Uncertain significance. Last evaluated: 2022-07-19. Review status: criteria provided, single submitter. Criteria: Invitae Variant Classification Sherloc (09022015). Collection method: clinical testing. Allele origin: germline.
Comment: In summary, the available evidence is currently insufficient to determine the role of this variant in disease. Therefore, it has been classified as a Variant of Uncertain Significance. Algorithms developed to predict the effect of missense changes on protein structure and function are either unavailable or do not agree on the potential impact of this missense change (SIFT: "Tolerated"; PolyPhen-2: "Probably Damaging"; Align-GVGD: "Class C0"). ClinVar contains an entry for this variant (Variation ID: 690504). This variant has not been reported in the literature in individuals affected with HOXB13-related conditions. This variant is not present in population databases (gnomAD no frequency). This sequence change replaces tyrosine, which is neutral and polar, with aspartic acid, which is acidic and polar, at codon 82 of the HOXB13 protein (p.Tyr82Asp).

Laboratory of Virology, Microbiology,  Quality and Medical Biotechnologies, Faculty of Sciences and Techniques - Mohammedia, Hassan II University of Casablanca
Classification: Uncertain significance for Prostate cancer, hereditary, 1. Review status: no assertion criteria provided. Collection method: clinical testing. Allele origin: somatic. Affected: yes. Not counted in ClinVar's aggregate classification.

NM_006361.6(HOXB13):c.244T>G (p.Tyr82Asp)

Gene: HOXB13 (homeobox B13; minus strand). Cytogenetic location: 17q21.32.
Variant type: single nucleotide variant.
Coding change: c.244T>G on transcript NM_006361.6 (MANE Select); coding-DNA position 244, T replaced by G.
Protein change: p.Tyr82Asp; replaces tyrosine 82 with aspartic acid.
Molecular consequence: missense variant.
Genome position (GRCh38, 1-based): chr17:48,728,350, A>C on the plus strand (T>G on the coding strand, the complement: HOXB13 is on the minus strand). VCF-style: chr17-48728350-A-C. GRCh37 (hg19) VCF-style: chr17-46805712-A-C.
Other names: short protein forms Y82D.
Identifiers: ClinVar variation 690504 (VCV000690504.7), dbSNP rs1597934684, ClinGen allele CA400107852.
Genomic context (GRCh38, chr17:48,728,350, plus strand): 5'-GGGCACAGGGTTTCAGCGAGCTCCGGGACACTCGGCAGGAGTAGTACCCGCCTCCAAAGT[A>C]ACCATAAGGCACGGGAGCTGGGGACGTCCCCTGGGGCACCCCAGGGCATGGGTGGCATTG-3'
Protein context (NP_006352.2, residues 72-92): GTSPAPVPYG[Tyr82Asp]FGGGYYSCRV